The following is an entry in ClinVar:

ClinVar aggregate classification (germline): Uncertain significance (1 of 4 stars; one submission).

Conditions:
BRCA2-related disorder. Also called: BRCA2-related condition; BRCA2-related disorders. Identifiers: MedGen CN239275.

Submission:

PreventionGenetics, part of Exact Sciences
Classification: Uncertain significance for BRCA2-related condition. Last evaluated: 2024-12-27. Review status: criteria provided, single submitter. Criteria: ACMG Guidelines, 2015. Collection method: clinical testing. Allele origin: germline.
Comment: The BRCA2 c.197A>G variant is predicted to result in the amino acid substitution p.Gln66Arg. To our knowledge, this variant has not been reported in the literature or in a large population database (gnomAD), indicating this variant is rare. At this time, the clinical significance of this variant is uncertain due to the absence of conclusive functional and genetic evidence.

NM_000059.4(BRCA2):c.197A>G (p.Gln66Arg)

Gene: BRCA2 (BRCA2 DNA repair associated; plus strand). Cytogenetic location: 13q13.1.
Variant type: single nucleotide variant.
Coding change: c.197A>G on transcript NM_000059.4 (MANE Select); coding-DNA position 197, A replaced by G.
Protein change: p.Gln66Arg; replaces glutamine 66 with arginine.
Molecular consequence: missense variant. On other transcripts: 5 prime UTR variant (1), non-coding transcript variant (1).
Genome position (GRCh38, 1-based): chr13:32,319,206, A>G. VCF-style: chr13-32319206-A-G. GRCh37 (hg19) VCF-style: chr13-32893343-A-G.
Other names: c.197A>G, p.Gln66Arg (NM_001406719.1, NM_001406720.1, NM_001406721.1 and 1 more transcripts); c.-173A>G (NM_001406722.1); short protein forms Q66R.
Identifiers: ClinVar variation 5001742 (VCV005001742.1).